The following is an entry in ClinVar:

ClinVar aggregate classification (germline): Uncertain significance (1 of 4 stars; one submission).

Submission:

Labcorp Genetics (formerly Invitae), Labcorp
Classification: Uncertain significance. Last evaluated: 2022-07-11. Review status: criteria provided, single submitter. Criteria: Invitae Variant Classification Sherloc (09022015). Collection method: clinical testing. Allele origin: germline.
Comment: In summary, the available evidence is currently insufficient to determine the role of this variant in disease. Therefore, it has been classified as a Variant of Uncertain Significance. This variant, c.1795_1796delinsTT, is a complex sequence change that results in the deletion of 1 and insertion of 1 amino acid(s) in the IMPG1 protein (p.Arg599Leu). Information on the frequency of this variant in the gnomAD database is not available, as this variant may be reported differently in the database. This variant has not been reported in the literature in individuals affected with IMPG1-related conditions. ClinVar contains an entry for this variant (Variation ID: 1381837). Algorithms developed to predict the effect of missense changes on protein structure and function are either unavailable or do not agree on the potential impact of this missense change (SIFT: "Not Available"; PolyPhen-2: "Benign"; Align-GVGD: "Not Available").

NM_001563.4(IMPG1):c.1795_1796delinsTT (p.Arg599Leu)

Gene: IMPG1 (interphotoreceptor matrix proteoglycan 1; minus strand). Cytogenetic location: 6q14.1.
Variant type: Indel.
Coding change: c.1795_1796delinsTT on transcript NM_001563.4 (MANE Select); coding-DNA positions 1795 to 1796, CG replaced by TT.
Protein change: p.Arg599Leu; replaces arginine 599 with leucine.
Molecular consequence: missense variant.
Genome position (GRCh38, 1-based): chr6:75,950,590-75,950,591, CG replaced by AA on the plus strand (CG replaced by TT on the coding strand, the reverse complement: IMPG1 is on the minus strand). VCF-style: chr6-75950590-CG-AA. GRCh37 (hg19) VCF-style: chr6-76660307-CG-AA.
Other names: c.1561_1562delinsTT, p.Arg521Leu (NM_001282368.2); short protein forms R599L, R521L.
Identifiers: ClinVar variation 1381837 (VCV001381837.6), dbSNP rs2149457412, ClinGen allele CA2573141152.